The following is an entry in ClinVar:

NM_004283.4(RAB3D):c.132C>T (p.Asp44=)

Gene: RAB3D (RAB3D, member RAS oncogene family; minus strand). Cytogenetic location: 19p13.2.
Variant type: single nucleotide variant.
Coding change: c.132C>T on transcript NM_004283.4 (MANE Select); coding-DNA position 132, C replaced by T.
Protein change: p.Asp44=; no amino-acid change (aspartic acid 44 retained).
Molecular consequence: synonymous variant.
Genome position (GRCh38, 1-based): chr19:11,337,268, G>A on the plus strand (C>T on the coding strand, the complement: RAB3D is on the minus strand). VCF-style: chr19-11337268-G-A. GRCh37 (hg19) VCF-style: chr19-11447944-G-A.
Identifiers: ClinVar variation 2649325 (VCV002649325.24), dbSNP rs747098251, ClinGen allele CA9209185.
Genomic context (GRCh38, chr19:11,337,268, plus strand): 5'-GACGGTCTTGACCTTGAAATCGATGCCCACAGTACTGACGAAGGCGGGAGTGAAGGAGTC[G>A]TCCGCGTATCGGAACAGGAAGGAAGTCTTGCCCACACTGCTGTTGCCTATCAGTAGCAGT-3'
Protein context (NP_004274.1, residues 34-54): GKTSFLFRYA[Asp44=]DSFTPAFVST

ClinVar aggregate classification (germline): Likely benign (1 of 4 stars; one submission).

Allele frequency attached by ClinVar (database versions not stated): gnomAD 0.00001; gnomAD exomes 0.00001; ExAC 0.00002; TOPMed 0.00002.
gnomAD v4.1: 15 of 1,614,004 alleles (0.00093%); highest among the groups gnomAD compares: Non-Finnish European, 0.0012%; no homozygotes.

Submission:

CeGaT Center for Human Genetics Tuebingen
Classification: Likely benign. Last evaluated: 2023-01-01. Review status: criteria provided, single submitter. Criteria: CeGaT Center For Human Genetics Tuebingen Variant Classification Criteria Version 2. Collection method: clinical testing. Allele origin: germline. Affected: yes. Observed: 1 variant allele.
Comment: RAB3D: BP4, BP7